The following is an entry in ClinVar:

NM_000257.4(MYH7):c.5455_5467del (p.Val1819fs)

Gene: MYH7 (myosin heavy chain 7; minus strand). Cytogenetic location: 14q11.2.
Variant type: Deletion.
Coding change: c.5455_5467del on transcript NM_000257.4 (MANE Select); coding-DNA positions 5455 to 5467, 13 bases deleted (GTGCGGGAGCTGG).
Protein change: p.Val1819fs; shifts the reading frame from valine 1819.
Molecular consequence: frameshift variant.
Genome position (GRCh38, 1-based): chr14:23,415,087-23,415,099, CCAGCTCCCGCAC deleted on the plus strand (GTGCGGGAGCTGG on the coding strand, the reverse complement: MYH7 is on the minus strand); deleting any 13 consecutive bases within chr14:23,415,087-23,415,101 gives the same sequence; the c. name uses the placement nearest the transcript's 3' end. VCF-style (leftmost placement, unchanged base first): chr14-23415086-TCCAGCTCCCGCAC-T. GRCh37 (hg19) VCF-style: chr14-23884295-TCCAGCTCCCGCAC-T.
Other names: c.5453_5465delGGGTGCGGGAGCT, p.Val1819Argfs (NM_000257.2); c.5455_5467del, p.Val1819fs (NM_001407004.1); short protein forms V1819fs.
Identifiers: ClinVar variation 3253182 (VCV003253182.2), dbSNP rs2502238936.

ClinVar aggregate classification (germline): Uncertain significance (1 of 4 stars; one submission).

Submission:

GeneDx
Classification: Uncertain significance. Last evaluated: 2025-10-13. Review status: criteria provided, single submitter. Criteria: GeneDx Variant Classification Process June 2021. Collection method: clinical testing. Allele origin: germline.
Comment: Not observed at significant frequency in large population cohorts (gnomAD); Has not been previously published as pathogenic or benign to our knowledge; Frameshift variant predicted to result in protein truncation or nonsense mediated decay in a gene or region of a gene for which loss of function is not a well-established mechanism of disease